The following is an entry in ClinVar:

ClinVar aggregate classification (germline): Likely benign. Review status: criteria provided, multiple submitters, no conflicts (2 of 4 stars). 2 submissions from 2 submitters: Likely benign (2). Last evaluated 2025-11-23.

Conditions:
Pyogenic arthritis-pyoderma gangrenosum-acne syndrome (PAPA). Also called: PAPA SYNDROME; FAMILIAL RECURRENT ARTHRITIS. Identifiers: Orphanet 69126, MedGen C1858361, MONDO:0011462, OMIM 604416.

Allele frequency attached by ClinVar (database versions not stated): ExAC 0.00001; gnomAD 0.00001; gnomAD exomes 0.00001; TOPMed 0.00001.
gnomAD v4.1: 19 of 1,612,944 alleles (0.0012%); highest among the groups gnomAD compares: Non-Finnish European, 0.0015%; no homozygotes.

Submissions (2):

Labcorp Genetics (formerly Invitae), Labcorp
Classification: Likely benign for Pyogenic arthritis-pyoderma gangrenosum-acne syndrome. Last evaluated: 2025-11-23. Review status: criteria provided, single submitter. Criteria: Invitae Variant Classification Sherloc (09022015). Collection method: clinical testing. Allele origin: germline.

GeneDx
Classification: Likely benign. Last evaluated: 2017-11-14. Review status: criteria provided, single submitter. Criteria: GeneDx Variant Classification (06012015). Collection method: clinical testing. Allele origin: germline. Affected: yes.
Comment: This variant is considered likely benign or benign based on one or more of the following criteria: it is a conservative change, it occurs at a poorly conserved position in the protein, it is predicted to be benign by multiple in silico algorithms, and/or has population frequency not consistent with disease.

NM_003978.5(PSTPIP1):c.675C>T (p.Thr225=)

Gene: PSTPIP1 (proline-serine-threonine phosphatase interacting protein 1; plus strand). Cytogenetic location: 15q24.3.
Variant type: single nucleotide variant.
Coding change: c.675C>T on transcript NM_003978.5 (MANE Select); coding-DNA position 675, C replaced by T.
Protein change: p.Thr225=; no amino-acid change (threonine 225 retained).
Molecular consequence: synonymous variant. On other transcripts: non-coding transcript variant (1).
Genome position (GRCh38, 1-based): chr15:77,031,212, C>T. VCF-style: chr15-77031212-C-T. GRCh37 (hg19) VCF-style: chr15-77323553-C-T.
Other names: c.675C>T, p.Thr225= (NM_001321135.2); c.648C>T, p.Thr216= (NM_001321136.2); c.870C>T, p.Thr290= (NM_001321137.1).
Identifiers: ClinVar variation 513483 (VCV000513483.5), dbSNP rs770958110, ClinGen allele CA7675940.